The following is an entry in ClinVar:

ClinVar aggregate classification (germline): Uncertain significance (1 of 4 stars; one submission).

Submission:

CeGaT Center for Human Genetics Tuebingen
Classification: Uncertain significance. Last evaluated: 2023-06-01. Review status: criteria provided, single submitter. Criteria: CeGaT Center For Human Genetics Tuebingen Variant Classification Criteria Version 2. Collection method: clinical testing. Allele origin: germline. Affected: yes. Observed: 1 variant allele.
Comment: ADNP: PM2, BP4

NM_001282531.3(ADNP):c.1298C>T (p.Thr433Ile)

Gene: ADNP (activity dependent neuroprotector homeobox; minus strand). Cytogenetic location: 20q13.13.
Variant type: single nucleotide variant.
Coding change: c.1298C>T on transcript NM_001282531.3 (MANE Select); coding-DNA position 1298, C replaced by T.
Protein change: p.Thr433Ile; replaces threonine 433 with isoleucine.
Molecular consequence: missense variant.
Genome position (GRCh38, 1-based): chr20:50,893,416, G>A on the plus strand (C>T on the coding strand, the complement: ADNP is on the minus strand). VCF-style: chr20-50893416-G-A. GRCh37 (hg19) VCF-style: chr20-49509953-G-A.
Other names: c.1298C>T, p.Thr433Ile (NM_001282532.2, NM_001347511.2, NM_015339.5 and 1 more transcripts); short protein forms T433I.
Identifiers: ClinVar variation 2652402 (VCV002652402.24), dbSNP rs1425423341, ClinGen allele CA408973920.